The following is an entry in ClinVar:

NM_004859.4(CLTC):c.727T>C (p.Phe243Leu)

Gene: CLTC (clathrin heavy chain; plus strand). Cytogenetic location: 17q23.1.
Variant type: single nucleotide variant.
Coding change: c.727T>C on transcript NM_004859.4 (MANE Select); coding-DNA position 727, T replaced by C.
Protein change: p.Phe243Leu; replaces phenylalanine 243 with leucine.
Molecular consequence: missense variant.
Genome position (GRCh38, 1-based): chr17:59,651,248, T>C. VCF-style: chr17-59651248-T-C. GRCh37 (hg19) VCF-style: chr17-57728609-T-C.
Other names: c.739T>C, p.Phe247Leu (NM_001288653.2); short protein forms F243L, F247L.
Identifiers: ClinVar variation 2631623 (VCV002631623.1), dbSNP rs2509365284, ClinGen allele CA400422230.

ClinVar aggregate classification (germline): Uncertain significance (1 of 4 stars; one submission).

Conditions:
CLTC-related disorder. Also called: CLTC-related condition.

Submission:

PreventionGenetics, part of Exact Sciences
Classification: Uncertain significance for CLTC-related condition. Last evaluated: 2023-08-06. Review status: criteria provided, single submitter. Criteria: ACMG Guidelines, 2015. Collection method: clinical testing. Allele origin: germline.
Comment: The CLTC c.739T>C variant is predicted to result in the amino acid substitution p.Phe247Leu. To our knowledge, this variant has not been reported in the literature or in a large population database, indicating this variant is rare. At this time, the clinical significance of this variant is uncertain due to the absence of conclusive functional and genetic evidence.